The following is an entry in ClinVar:

NM_002471.4(MYH6):c.2593C>G (p.Leu865Val)

Gene: MYH6 (myosin heavy chain 6; minus strand). Cytogenetic location: 14q11.2.
Variant type: single nucleotide variant.
Coding change: c.2593C>G on transcript NM_002471.4 (MANE Select); coding-DNA position 2593, C replaced by G.
Protein change: p.Leu865Val; replaces leucine 865 with valine.
Molecular consequence: missense variant.
Genome position (GRCh38, 1-based): chr14:23,394,160, G>C on the plus strand (C>G on the coding strand, the complement: MYH6 is on the minus strand). VCF-style: chr14-23394160-G-C. GRCh37 (hg19) VCF-style: chr14-23863369-G-C.
Other names: short protein forms L865V.
Identifiers: ClinVar variation 3622108 (VCV003622108.2).

ClinVar aggregate classification (germline): Uncertain significance (1 of 4 stars; one submission).

Conditions:
Hypertrophic cardiomyopathy 14. Identifiers: MedGen C2750467, MONDO:0013197, OMIM 613251.

Submission:

Labcorp Genetics (formerly Invitae), Labcorp
Classification: Uncertain significance for Hypertrophic cardiomyopathy 14. Last evaluated: 2024-03-19. Review status: criteria provided, single submitter. Criteria: Invitae Variant Classification Sherloc (09022015). Collection method: clinical testing. Allele origin: germline.
Comment: This sequence change replaces leucine, which is neutral and non-polar, with valine, which is neutral and non-polar, at codon 865 of the MYH6 protein (p.Leu865Val). This variant is not present in population databases (gnomAD no frequency). This variant has not been reported in the literature in individuals affected with MYH6-related conditions. Advanced modeling of protein sequence and biophysical properties (such as structural, functional, and spatial information, amino acid conservation, physicochemical variation, residue mobility, and thermodynamic stability) performed at Invitae indicates that this missense variant is not expected to disrupt MYH6 protein function with a negative predictive value of 80%. In summary, the available evidence is currently insufficient to determine the role of this variant in disease. Therefore, it has been classified as a Variant of Uncertain Significance.